The following is an entry in ClinVar:

NM_001387430.1(SH2B1):c.1719G>A (p.Lys573=)

Gene: SH2B1 (SH2B adaptor protein 1; plus strand). Cytogenetic location: 16p11.2.
Variant type: single nucleotide variant.
Coding change: c.1719G>A on transcript NM_001387430.1 (MANE Select); coding-DNA position 1719, G replaced by A.
Protein change: p.Lys573=; no amino-acid change (lysine 573 retained).
Molecular consequence: synonymous variant.
Genome position (GRCh38, 1-based): chr16:28,872,395, G>A. VCF-style: chr16-28872395-G-A. GRCh37 (hg19) VCF-style: chr16-28883716-G-A.
Other names: c.1719G>A, p.Lys573= (NM_001145795.2, NM_001145796.2, NM_001145797.2 and 4 more transcripts); c.711G>A, p.Lys237= (NM_001308294.2).
Identifiers: ClinVar variation 3031145 (VCV003031145.2), dbSNP rs780979948, ClinGen allele CA7986274.

ClinVar aggregate classification (germline): Likely benign (0 of 4 stars; one submission).

Conditions:
SH2B1-related disorder. Also called: SH2B1-related condition.

Allele frequency attached by ClinVar (database versions not stated): gnomAD 0.00001; ExAC 0.00002; TOPMed 0.00002; gnomAD exomes 0.00004.
gnomAD v4.1: 59 of 1,601,704 alleles (0.0037%); highest among the groups gnomAD compares: Non-Finnish European, 0.0047%; no homozygotes.

Submission:

PreventionGenetics, part of Exact Sciences
Classification: Likely benign for SH2B1-related condition. Last evaluated: 2022-01-07. Review status: no assertion criteria provided. Collection method: clinical testing. Allele origin: germline.
Comment: This variant is classified as likely benign based on ACMG/AMP sequence variant interpretation guidelines (Richards et al. 2015 PMID: 25741868, with internal and published modifications).